The following is an entry in ClinVar:

NM_007118.4(TRIO):c.7543C>A (p.Arg2515Ser)

Gene: TRIO (trio Rho guanine nucleotide exchange factor; plus strand). Cytogenetic location: 5p15.2.
Variant type: single nucleotide variant.
Coding change: c.7543C>A on transcript NM_007118.4 (MANE Select); coding-DNA position 7543, C replaced by A.
Protein change: p.Arg2515Ser; replaces arginine 2515 with serine.
Molecular consequence: missense variant.
Genome position (GRCh38, 1-based): chr5:14,488,171, C>A. VCF-style: chr5-14488171-C-A. GRCh37 (hg19) VCF-style: chr5-14488280-C-A.
Other names: short protein forms R2515S.
Identifiers: ClinVar variation 1308046 (VCV001308046.2), dbSNP rs766894115, ClinGen allele CA3207470.

ClinVar aggregate classification (germline): Uncertain significance (1 of 4 stars; one submission).

Allele frequency attached by ClinVar (database versions not stated): TOPMed 0.00001; ExAC 0.00006.
gnomAD v4.1: 21 of 1,602,982 alleles (0.0013%); highest among the groups gnomAD compares: East Asian, 0.0022%; no homozygotes.

Submission:

GeneDx
Classification: Uncertain significance. Last evaluated: 2019-08-26. Review status: criteria provided, single submitter. Criteria: GeneDx Variant Classification Process June 2021. Collection method: clinical testing. Allele origin: germline. Affected: yes.
Comment: In silico analysis, which includes protein predictors and evolutionary conservation, supports that this variant does not alter protein structure/function; Has not been previously published as pathogenic or benign to our knowledge; No data available from control populations to assess the frequency of this variant